The following is an entry in ClinVar:

NM_001042492.3(NF1):c.2963T>C (p.Ile988Thr)

Gene: NF1 (neurofibromin 1; plus strand). Cytogenetic location: 17q11.2.
Variant type: single nucleotide variant.
Coding change: c.2963T>C on transcript NM_001042492.3 (MANE Select); coding-DNA position 2963, T replaced by C.
Protein change: p.Ile988Thr; replaces isoleucine 988 with threonine.
Molecular consequence: missense variant.
Genome position (GRCh38, 1-based): chr17:31,229,947, T>C. VCF-style: chr17-31229947-T-C. GRCh37 (hg19) VCF-style: chr17-29556965-T-C.
Other names: c.2963T>C, p.Ile988Thr (NM_000267.4); short protein forms I988T.
Identifiers: ClinVar variation 565716 (VCV000565716.9), dbSNP rs746670929, ClinGen allele CA8486053.

ClinVar aggregate classification (germline): Uncertain significance. Review status: criteria provided, multiple submitters, no conflicts (2 of 4 stars). 2 submissions from 2 submitters: Uncertain significance (2). Last evaluated 2025-11-25.

Conditions:
Hereditary cancer-predisposing syndrome. Also called: Neoplastic Syndromes, Hereditary; Tumor predisposition; Hereditary Cancer Syndrome; Hereditary neoplastic syndrome. Identifiers: Orphanet 140162, MedGen C0027672, MeSH D009386, MONDO:0015356.
Cardiovascular phenotype. Identifiers: MedGen CN230736.
Neurofibromatosis, type 1 (NF1). Also called: VON RECKLINGHAUSEN DISEASE; NEUROFIBROMATOSIS, TYPE I, SOMATIC; Peripheral type neurofibromatosis; Neurofibromatosis, type I. Identifiers: Orphanet 636, MedGen C0027831, MONDO:0018975, OMIM 162200. Disease mechanism: loss of function.

Allele frequency attached by ClinVar (database versions not stated): gnomAD exomes below 0.00001; TOPMed below 0.00001; ExAC 0.00001; gnomAD 0.00001.
gnomAD v4.1: 3 of 1,611,712 alleles (0.00019%); highest among the groups gnomAD compares: Non-Finnish European, 0.00025%; no homozygotes.

Submissions (2):

Ambry Genetics
Classification: Uncertain significance for Cardiovascular phenotype; Hereditary cancer-predisposing syndrome. Last evaluated: 2025-11-25. Review status: criteria provided, single submitter. Criteria: Ambry Variant Classification Scheme 2023. Collection method: clinical testing. Allele origin: germline.
Comment: The p.I988T variant (also known as c.2963T>C), located in coding exon 22 of the NF1 gene, results from a T to C substitution at nucleotide position 2963. The isoleucine at codon 988 is replaced by threonine, an amino acid with similar properties. This amino acid position is conserved. In addition, this alteration is predicted to be deleterious by in silico analysis. Based on the available evidence, the clinical significance of this variant remains unclear.

Labcorp Genetics (formerly Invitae), Labcorp
Classification: Uncertain significance for Neurofibromatosis, type 1. Last evaluated: 2025-07-27. Review status: criteria provided, single submitter. Criteria: Invitae Variant Classification Sherloc (09022015). Collection method: clinical testing. Allele origin: germline.
Comment: This sequence change replaces isoleucine, which is neutral and non-polar, with threonine, which is neutral and polar, at codon 988 of the NF1 protein (p.Ile988Thr). This variant is present in population databases (rs746670929, gnomAD 0.0009%). This variant has not been reported in the literature in individuals affected with NF1-related conditions. ClinVar contains an entry for this variant (Variation ID: 565716). Invitae Evidence Modeling of protein sequence and biophysical properties (such as structural, functional, and spatial information, amino acid conservation, physicochemical variation, residue mobility, and thermodynamic stability) indicates that this missense variant is expected to disrupt NF1 protein function with a positive predictive value of 95%. In summary, the available evidence is currently insufficient to determine the role of this variant in disease. Therefore, it has been classified as a Variant of Uncertain Significance.